The following is an entry in ClinVar:

Conditions:
Breast-ovarian cancer, familial, susceptibility to, 1 (BROVCA1). Also called: BRCA1 Hereditary Breast and Ovarian Cancer; OVARIAN CANCER, SUSCEPTIBILITY TO. Identifiers: Orphanet 145, MedGen C2676676, MONDO:0011450, OMIM 604370. Disease mechanism: loss of function.

Submission:

Brotman Baty Institute, University of Washington
No classification provided (evidence only). Condition: Breast-ovarian cancer, familial 1. Review status: no classification provided. Collection method: in vitro. Allele origin: not applicable. Functional consequence: functionally_normal.
ClinVar note: "not provided" was previously submitted as the classification for the variant. However, the classification appeared to be based only on an observation of functional data so it was converted to no classification on 2025-07-30.

NM_007294.4(BRCA1):c.5406+13T>G

Gene: BRCA1 (BRCA1 DNA repair associated; minus strand). Cytogenetic location: 17q21.31.
Variant type: single nucleotide variant.
Coding change: c.5406+13T>G on transcript NM_007294.4 (MANE Select); 13 bases into the intron after coding-DNA position 5406, T replaced by G.
Molecular consequence: intron variant.
Genome position (GRCh38, 1-based): chr17:43,049,108, A>C on the plus strand (T>G on the coding strand, the complement: BRCA1 is on the minus strand). VCF-style: chr17-43049108-A-C. GRCh37 (hg19) VCF-style: chr17-41201125-A-C.
Other names: c.1968+13T>G (NM_001408446.1, NM_001408448.1, NM_001408445.1 and 2 more transcripts); c.1971+13T>G (NM_001408435.1, NM_001408444.1, NM_001408438.1 and 10 more transcripts); c.5274+13T>G (NM_001407691.1, NM_001407690.1); c.5277+13T>G (NM_001407685.1, NM_001407688.1, NM_001407682.1 and 5 more transcripts); c.5207-1405T>G (NM_001407940.1, NM_001407939.1); c.5280+13T>G (NM_001407671.1, NM_001407676.1, NM_001407679.1 and 8 more transcripts); c.5346+13T>G (NM_001407649.1); c.2091+13T>G (NM_001408401.1, NM_001408396.1, NM_001408404.1 and 7 more transcripts); and 84 more.
Identifiers: ClinVar variation 868444 (VCV000868444.3), dbSNP rs2051069227, ClinGen allele CA916080823.